The following is an entry in ClinVar:

ClinVar aggregate classification (germline): Likely benign. Review status: criteria provided, multiple submitters, no conflicts (2 of 4 stars). 3 submissions from 3 submitters: Likely benign (2). 1 of the submissions does not count toward it. Last evaluated 2026-01-18.

Allele frequency attached by ClinVar (database versions not stated): gnomAD exomes 0.00007 and 0.00013; ExAC 0.00012; 1000 Genomes Project 0.00020; 1000 Genomes Project 30x 0.00031; gnomAD 0.00057 and 0.00065; TOPMed 0.00070; ESP Exome Variant Server 0.00091.

Submissions (3):

Labcorp Genetics (formerly Invitae), Labcorp
Classification: Likely benign. Last evaluated: 2026-01-18. Review status: criteria provided, single submitter. Criteria: Invitae Variant Classification Sherloc (09022015). Collection method: clinical testing. Allele origin: germline.

Blueprint Genetics
Classification: Likely benign. Last evaluated: 2024-04-23. Review status: criteria provided, single submitter. Criteria: ACMG Guidelines, 2015. Collection method: clinical testing. Allele origin: germline.

Department of Pathology and Laboratory Medicine, Sinai Health System
Classification: Likely benign. Review status: no assertion criteria provided. Collection method: clinical testing. Allele origin: unknown. Affected: yes. Study: The Canadian Open Genetics Repository (COGR). Not counted in ClinVar's aggregate classification.
Comment: The FN1 p.Gly1345Ser variant was not identified in the literature but was identified in dbSNP (ID: rs184026566), ClinVar (classified as likely benign by Invitae) and LOVD 3.0 (classified as likely benign). The variant was identified in control databases in 47 of 280590 chromosomes at a frequency of 0.0001675 (Genome Aggregation Database March 6, 2019, v2.1.1). The variant was observed in the following populations: African in 40 of 24198 chromosomes (freq: 0.001653), East Asian in 5 of 19520 chromosomes (freq: 0.000256) and Latino in 2 of 35358 chromosomes (freq: 0.000057), but was not observed in the Ashkenazi Jewish, European (Finnish), European (non-Finnish), Other, or South Asian populations. The p.Gly1345 residue is conserved in mammals but not in more distantly related organisms however three out of four computational analyses (SIFT, AlignGVGD, BLOSUM, MutationTaster) do not suggest a high likelihood of impact to the protein; this information is not predictive enough to rule out pathogenicity. The variant occurs outside of the splicing consensus sequence and 2 of 4 in silico or computational prediction software programs (SpliceSiteFinder, MaxEntScan, NNSPLICE, GeneSplicer) predict a greater than 10% difference in splicing; this is not very predictive of pathogenicity. In summary, based on the above information the clinical significance of this variant cannot be determined with certainty at this time although we would lean towards a more benign role for this variant. This variant is classified as likely benign.

NM_212482.4(FN1):c.4033G>A (p.Gly1345Ser)

Gene: FN1 (fibronectin 1; minus strand). Cytogenetic location: 2q35.
Variant type: single nucleotide variant.
Coding change: c.4033G>A on transcript NM_212482.4 (MANE Select); coding-DNA position 4033, G replaced by A.
Protein change: p.Gly1345Ser; replaces glycine 1345 with serine.
Molecular consequence: missense variant. On other transcripts: intron variant (10).
Genome position (GRCh38, 1-based): chr2:215,392,967, C>T on the plus strand (G>A on the coding strand, the complement: FN1 is on the minus strand). VCF-style: chr2-215392967-C-T. GRCh37 (hg19) VCF-style: chr2-216257690-C-T.
Other names: c.4033G>A, p.Gly1345Ser (NM_001306129.2, NM_001306130.2, NM_001365517.2 and 3 more transcripts); c.3797-1153G>A (NM_212474.3, NM_001306132.2, NM_001365523.2 and 7 more transcripts); short protein forms G1345S.
Identifiers: ClinVar variation 761688 (VCV000761688.11), dbSNP rs184026566, ClinGen allele CA2094551.